The following is an entry in ClinVar:

ClinVar aggregate classification (germline): Uncertain significance (1 of 4 stars; one submission).

Submission:

Labcorp Genetics (formerly Invitae), Labcorp
Classification: Uncertain significance. Last evaluated: 2022-10-24. Review status: criteria provided, single submitter. Criteria: Invitae Variant Classification Sherloc (09022015). Collection method: clinical testing. Allele origin: germline.
Comment: This sequence change replaces glutamic acid, which is acidic and polar, with glycine, which is neutral and non-polar, at codon 1916 of the PCLO protein (p.Glu1916Gly). This variant is not present in population databases (gnomAD no frequency). This variant has not been reported in the literature in individuals affected with PCLO-related conditions. ClinVar contains an entry for this variant (Variation ID: 1515966). Algorithms developed to predict the effect of missense changes on protein structure and function are either unavailable or do not agree on the potential impact of this missense change (SIFT: "Tolerated"; PolyPhen-2: "Not Available"; Align-GVGD: "Class C0"). In summary, the available evidence is currently insufficient to determine the role of this variant in disease. Therefore, it has been classified as a Variant of Uncertain Significance.

NM_033026.6(PCLO):c.5747A>G (p.Glu1916Gly)

Gene: PCLO (piccolo presynaptic cytomatrix protein; minus strand). Cytogenetic location: 7q21.11.
Variant type: single nucleotide variant.
Coding change: c.5747A>G on transcript NM_033026.6 (MANE Select); coding-DNA position 5747, A replaced by G.
Protein change: p.Glu1916Gly; replaces glutamic acid 1916 with glycine.
Molecular consequence: missense variant.
Genome position (GRCh38, 1-based): chr7:82,955,206, T>C on the plus strand (A>G on the coding strand, the complement: PCLO is on the minus strand). VCF-style: chr7-82955206-T-C. GRCh37 (hg19) VCF-style: chr7-82584522-T-C.
Other names: c.5747A>G, p.Glu1916Gly (NM_014510.3); short protein forms E1916G.
Identifiers: ClinVar variation 1515966 (VCV001515966.6), dbSNP rs2116450135, ClinGen allele CA367923331.